The following is an entry in ClinVar:

ClinVar aggregate classification (germline): Uncertain significance (1 of 4 stars; one submission).

Submission:

Labcorp Genetics (formerly Invitae), Labcorp
Classification: Uncertain significance. Last evaluated: 2025-09-11. Review status: criteria provided, single submitter. Criteria: Invitae Variant Classification Sherloc (09022015). Collection method: clinical testing. Allele origin: germline.
Comment: This sequence change replaces serine, which is neutral and polar, with threonine, which is neutral and polar, at codon 423 of the TAB2 protein (p.Ser423Thr). This variant is not present in population databases (gnomAD no frequency). This variant has not been reported in the literature in individuals affected with TAB2-related conditions. ClinVar contains an entry for this variant (Variation ID: 2709995). Invitae Evidence Modeling of protein sequence and biophysical properties (such as structural, functional, and spatial information, amino acid conservation, physicochemical variation, residue mobility, and thermodynamic stability) indicates that this missense variant is not expected to disrupt TAB2 protein function with a negative predictive value of 80%. In summary, the available evidence is currently insufficient to determine the role of this variant in disease. Therefore, it has been classified as a Variant of Uncertain Significance.

NM_001292034.3(TAB2):c.1267T>A (p.Ser423Thr)

Genes: TAB2 (TGF-beta activated kinase 1 (MAP3K7) binding protein 2; plus strand), LOC126859827 (BRD4-independent group 4 enhancer GRCh37_chr6:149699707-149700906; plus strand). Cytogenetic location: 6q25.1.
Variant type: single nucleotide variant.
Coding change: c.1267T>A on transcript NM_001292034.3 (MANE Select); coding-DNA position 1267, T replaced by A.
Protein change: p.Ser423Thr; replaces serine 423 with threonine.
Molecular consequence: missense variant.
Genome position (GRCh38, 1-based): chr6:149,379,182, T>A. VCF-style: chr6-149379182-T-A. GRCh37 (hg19) VCF-style: chr6-149700318-T-A.
Other names: c.1171T>A, p.Ser391Thr (NM_001292035.3); c.1267T>A, p.Ser423Thr (NM_001369506.1, NM_015093.6); short protein forms S423T, S391T.
Identifiers: ClinVar variation 2709995 (VCV002709995.3), dbSNP rs2483395547, ClinGen allele CA365998411.